The following is an entry in ClinVar:

NM_014384.3(ACAD8):c.1157A>G (p.Gln386Arg)

Gene: ACAD8 (acyl-CoA dehydrogenase family member 8; plus strand). Cytogenetic location: 11q25.
Variant type: single nucleotide variant.
Coding change: c.1157A>G on transcript NM_014384.3 (MANE Select); coding-DNA position 1157, A replaced by G.
Protein change: p.Gln386Arg; replaces glutamine 386 with arginine.
Molecular consequence: missense variant.
Genome position (GRCh38, 1-based): chr11:134,262,584, A>G. VCF-style: chr11-134262584-A-G. GRCh37 (hg19) VCF-style: chr11-134132478-A-G.
Other names: c.1157A>G, p.Gln386Arg (NM_001441136.1); c.863A>G, p.Gln288Arg (NM_001441138.1); short protein forms Q288R, Q386R.
Identifiers: ClinVar variation 4738496 (VCV004738496.1).

ClinVar aggregate classification (germline): Uncertain significance (1 of 4 stars; one submission).

Conditions:
Deficiency of isobutyryl-CoA dehydrogenase. Also called: ACAD8 DEFICIENCY; ACYL-CoA DEHYDROGENASE FAMILY, MEMBER 8, DEFICIENCY OF; IBD DEFICIENCY. Identifiers: Orphanet 79159, MedGen C1969809, MONDO:0012648, OMIM 611283.

gnomAD v4.1: 10 of 1,613,976 alleles (0.00062%); highest among the groups gnomAD compares: South Asian, 0.0011%; no homozygotes.

Submission:

Labcorp Genetics (formerly Invitae), Labcorp
Classification: Uncertain significance for Deficiency of isobutyryl-CoA dehydrogenase. Last evaluated: 2025-07-21. Review status: criteria provided, single submitter. Criteria: Invitae Variant Classification Sherloc (09022015). Collection method: clinical testing. Allele origin: germline.
Comment: This sequence change replaces glutamine, which is neutral and polar, with arginine, which is basic and polar, at codon 386 of the ACAD8 protein (p.Gln386Arg). This variant is not present in population databases (gnomAD no frequency). This missense change has been observed in individual(s) with clinical features of ACAD8-related conditions (PMID: 34544473; internal data). Invitae Evidence Modeling of protein sequence and biophysical properties (such as structural, functional, and spatial information, amino acid conservation, physicochemical variation, residue mobility, and thermodynamic stability) indicates that this missense variant is not expected to disrupt ACAD8 protein function with a negative predictive value of 80%. Algorithms developed to predict the effect of sequence changes on RNA splicing suggest that this variant may create or strengthen a splice site. In summary, the available evidence is currently insufficient to determine the role of this variant in disease. Therefore, it has been classified as a Variant of Uncertain Significance.

Literature cited by the submitters: PubMed 34544473.